The following is an entry in ClinVar:

ClinVar aggregate classification (germline): Uncertain significance (1 of 4 stars; one submission).

Conditions:
DNA ligase IV deficiency. Identifiers: Orphanet 99812, MedGen C1847827, MONDO:0011686, OMIM 606593.

Allele frequency attached by ClinVar (database versions not stated): gnomAD 0.00001; gnomAD exomes 0.00002; TOPMed 0.00003; ExAC 0.00004.
gnomAD v4.1: 36 of 1,614,052 alleles (0.0022%); highest among the groups gnomAD compares: East Asian, 0.08%; no homozygotes.

Submission:

Labcorp Genetics (formerly Invitae), Labcorp
Classification: Uncertain significance for DNA ligase IV deficiency. Last evaluated: 2022-01-27. Review status: criteria provided, single submitter. Criteria: Invitae Variant Classification Sherloc (09022015). Collection method: clinical testing. Allele origin: germline.
Comment: This sequence change replaces glutamic acid, which is acidic and polar, with glycine, which is neutral and non-polar, at codon 461 of the LIG4 protein (p.Glu461Gly). This variant is present in population databases (rs2232640, gnomAD 0.03%). This variant has not been reported in the literature in individuals affected with LIG4-related conditions. ClinVar contains an entry for this variant (Variation ID: 645994). Algorithms developed to predict the effect of missense changes on protein structure and function (SIFT, PolyPhen-2, Align-GVGD) all suggest that this variant is likely to be tolerated. In summary, the available evidence is currently insufficient to determine the role of this variant in disease. Therefore, it has been classified as a Variant of Uncertain Significance.

NM_206937.2(LIG4):c.1382A>G (p.Glu461Gly)

Gene: LIG4 (DNA ligase 4; minus strand). Cytogenetic location: 13q33.3.
Variant type: single nucleotide variant.
Coding change: c.1382A>G on transcript NM_206937.2 (MANE Select); coding-DNA position 1382, A replaced by G.
Protein change: p.Glu461Gly; replaces glutamic acid 461 with glycine.
Molecular consequence: missense variant.
Genome position (GRCh38, 1-based): chr13:108,209,887, T>C on the plus strand (A>G on the coding strand, the complement: LIG4 is on the minus strand). VCF-style: chr13-108209887-T-C. GRCh37 (hg19) VCF-style: chr13-108862235-T-C.
Other names: c.1382A>G, p.Glu461Gly (NM_001098268.2, NM_001352598.2, NM_001352599.2 and 6 more transcripts); c.1181A>G, p.Glu394Gly (NM_001330595.2); c.1418A>G, p.Glu473Gly (NM_001352604.2); short protein forms E473G, E394G, E461G.
Identifiers: ClinVar variation 645994 (VCV000645994.6), dbSNP rs2232640, ClinGen allele CA7043699.